The following is an entry in ClinVar:

ClinVar aggregate classification (germline): Uncertain significance (0 of 4 stars; one submission).

Conditions:
USP9X-related disorder. Also called: USP9X-related condition.

gnomAD v4.1: 1 of 1,211,700 alleles (0.000083%); highest among the groups gnomAD compares: Admixed American, 0.0022%; no homozygotes.

Submission:

PreventionGenetics, part of Exact Sciences
Classification: Uncertain significance for USP9X-related condition. Last evaluated: 2024-02-23. Review status: no assertion criteria provided. Collection method: clinical testing. Allele origin: germline.
Comment: The USP9X c.4657C>T variant is predicted to result in the amino acid substitution p.Pro1553Ser. To our knowledge, this variant has not been reported in the literature. This variant is reported in 0.0036% of alleles in individuals of Latino descent in gnomAD. At this time, the clinical significance of this variant is uncertain due to the absence of conclusive functional and genetic evidence.

NM_001039591.3(USP9X):c.4657C>T (p.Pro1553Ser)

Gene: USP9X (ubiquitin specific peptidase 9 X-linked; plus strand). Cytogenetic location: Xp11.4.
Variant type: single nucleotide variant.
Coding change: c.4657C>T on transcript NM_001039591.3 (MANE Select); coding-DNA position 4657, C replaced by T.
Protein change: p.Pro1553Ser; replaces proline 1553 with serine.
Molecular consequence: missense variant.
Genome position (GRCh38, 1-based): chrX:41,201,113, C>T. VCF-style: chrX-41201113-C-T. GRCh37 (hg19) VCF-style: chrX-41060366-C-T.
Other names: c.4657C>T, p.Pro1553Ser (NM_001039590.3); c.4672C>T, p.Pro1558Ser (NM_001410748.1, NM_001410749.1); short protein forms P1553S, P1558S.
Identifiers: ClinVar variation 2637098 (VCV002637098.3), dbSNP rs375616476, ClinGen allele CA412778504.